The following is an entry in ClinVar:

NM_000074.3(CD40LG):c.346+4G>C

Gene: CD40LG (CD40 ligand; plus strand). Cytogenetic location: Xq26.3.
Variant type: single nucleotide variant.
Coding change: c.346+4G>C on transcript NM_000074.3 (MANE Select); 4 bases into the intron after coding-DNA position 346, G replaced by C.
Molecular consequence: intron variant.
Genome position (GRCh38, 1-based): chrX:136,654,434, G>C. VCF-style: chrX-136654434-G-C. GRCh37 (hg19) VCF-style: chrX-135736593-G-C.
Identifiers: ClinVar variation 4887567 (VCV004887567.1).

ClinVar aggregate classification (germline): Uncertain significance (1 of 4 stars; one submission).

gnomAD v4.1: 1 of 1,175,758 alleles (0.000085%); highest among the groups gnomAD compares: Non-Finnish European, 0.00012%; no homozygotes.

Submission:

Women's Health and Genetics/Laboratory Corporation of America, LabCorp
Classification: Uncertain significance. Last evaluated: 2026-06-02. Review status: criteria provided, single submitter. Criteria: LabCorp Variant Classification Summary - May 2015. Collection method: clinical testing. Allele origin: germline.
Comment: Variant summary: CD40LG c.346+4G>C alters a conserved nucleotide located close to a canonical splice site and therefore could affect mRNA splicing, leading to a significantly altered protein sequence. Consensus agreement among computation tools predict no significant impact on normal splicing. However, these predictions have yet to be confirmed by functional studies. The variant was absent in 182914 control chromosomes (gnomAD). The available data on variant occurrences in the general population are insufficient to allow any conclusion about variant significance. c.346+4G>C has been observed in an individual(s) affected with a CD40LG-related condition (Cicalese_2018). These data do not allow any conclusion about variant significance. To our knowledge, no experimental evidence demonstrating an impact on protein function has been reported. The following publication has been ascertained in the context of this evaluation (PMID: 30131802). No submitters have cited clinical-significance assessments for this variant to ClinVar. Based on the evidence outlined above, the variant was classified as uncertain significance.

Literature cited by the submitters: PubMed 30131802.